The following is an entry in ClinVar:

NM_001379180.1(ESRRB):c.577+21G>A

Gene: ESRRB (estrogen related receptor beta; plus strand). Cytogenetic location: 14q24.3.
Variant type: single nucleotide variant.
Coding change: c.577+21G>A on transcript NM_001379180.1 (MANE Select); 21 bases into the intron after coding-DNA position 577, G replaced by A.
Molecular consequence: intron variant.
Genome position (GRCh38, 1-based): chr14:76,462,682, G>A. VCF-style: chr14-76462682-G-A. GRCh37 (hg19) VCF-style: chr14-76929025-G-A.
Other names: c.514+21G>A (NM_004452.4).
Identifiers: ClinVar variation 683345 (VCV000683345.2), dbSNP rs60031556, ClinGen allele CA7281616.

ClinVar aggregate classification (germline): Benign. Review status: criteria provided, multiple submitters, no conflicts (2 of 4 stars). 2 submissions from 2 submitters: Benign (2). Last evaluated 2018-06-16.

Allele frequency attached by ClinVar (database versions not stated): gnomAD exomes 0.00478 and 0.01333; ExAC 0.01614; gnomAD 0.05029 and 0.05400; 1000 Genomes Project 0.05631; TOPMed 0.05730; ESP Exome Variant Server 0.05774; 1000 Genomes Project 30x 0.06090.
gnomAD v4.1: 14,687 of 1,562,098 alleles (0.94%); highest among the groups gnomAD compares: African/African-American, 17%; 1,062 homozygotes.

Submissions (2):

GeneDx
Classification: Benign. Last evaluated: 2018-06-16. Review status: criteria provided, single submitter. Criteria: GeneDx Variant Classification (06012015). Collection method: clinical testing. Allele origin: germline. Affected: yes.
Comment: This variant is considered likely benign or benign based on one or more of the following criteria: it is a conservative change, it occurs at a poorly conserved position in the protein, it is predicted to be benign by multiple in silico algorithms, and/or has population frequency not consistent with disease.

Breakthrough Genomics
Classification: Benign. Review status: criteria provided, single submitter. Criteria: ACMG Guidelines, 2015. Collection method: not provided. Allele origin: germline. Inheritance: Autosomal recessive inheritance. Affected: yes.